The following is an entry in ClinVar:

ClinVar aggregate classification (germline): Conflicting classifications of pathogenicity. Review status: criteria provided, conflicting classifications (1 of 4 stars). 2 submissions from 2 submitters: Uncertain significance (1); Likely benign (1). Last evaluated 2025-10-23.

Allele frequency attached by ClinVar (database versions not stated): ExAC 0.00001; gnomAD exomes 0.00001.
gnomAD v4.1: 18 of 1,608,310 alleles (0.0011%); highest among the groups gnomAD compares: Non-Finnish European, 0.0015%; no homozygotes.

Submissions (2):

GeneDx
Classification: Uncertain significance. Last evaluated: 2025-10-23. Review status: criteria provided, single submitter. Criteria: GeneDx Variant Classification Process June 2021. Collection method: clinical testing. Allele origin: germline.
Comment: Not observed at significant frequency in large population cohorts (gnomAD); In silico analysis supports that this missense variant has a deleterious effect on protein structure/function; Has not been previously published as pathogenic or benign to our knowledge; Variants in candidate genes are classified as variants of uncertain significance in accordance with ACMG guidelines (PMID: 25741868)

Labcorp Genetics (formerly Invitae), Labcorp
Classification: Likely benign. Last evaluated: 2025-10-09. Review status: criteria provided, single submitter. Criteria: Invitae Variant Classification Sherloc (09022015). Collection method: clinical testing. Allele origin: germline.

NM_004839.4(HOMER2):c.497C>T (p.Ala166Val)

Gene: HOMER2 (homer scaffold protein 2; minus strand). Cytogenetic location: 15q25.2.
Variant type: single nucleotide variant.
Coding change: c.497C>T on transcript NM_004839.4 (MANE Select); coding-DNA position 497, C replaced by T.
Protein change: p.Ala166Val; replaces alanine 166 with valine.
Molecular consequence: missense variant.
Genome position (GRCh38, 1-based): chr15:82,854,798, G>A on the plus strand (C>T on the coding strand, the complement: HOMER2 is on the minus strand). VCF-style: chr15-82854798-G-A. GRCh37 (hg19) VCF-style: chr15-83523550-G-A.
Other names: c.530C>T (NM_199330.2); c.530C>T, p.Ala177Val (NM_199330.3); short protein forms A166V, A177V.
Identifiers: ClinVar variation 2994006 (VCV002994006.4), dbSNP rs752753180, ClinGen allele CA7702104.